The following is an entry in ClinVar:

ClinVar aggregate classification (germline): Likely pathogenic (1 of 4 stars; one submission).

Submission:

Labcorp Genetics (formerly Invitae), Labcorp
Classification: Likely pathogenic. Last evaluated: 2022-11-05. Review status: criteria provided, single submitter. Criteria: Invitae Variant Classification Sherloc (09022015). Collection method: clinical testing. Allele origin: germline.
Comment: This variant is not present in population databases (gnomAD no frequency). This sequence change affects an acceptor splice site in intron 17 of the HPS5 gene. It is expected to disrupt RNA splicing. Variants that disrupt the donor or acceptor splice site typically lead to a loss of protein function (PMID: 16199547), and loss-of-function variants in HPS5 are known to be pathogenic (PMID: 12548288, 15296495, 21833017, 26785811). In summary, the currently available evidence indicates that the variant is pathogenic, but additional data are needed to prove that conclusively. Therefore, this variant has been classified as Likely Pathogenic. Algorithms developed to predict the effect of sequence changes on RNA splicing suggest that this variant may disrupt the consensus splice site. This variant has not been reported in the literature in individuals affected with HPS5-related conditions.

Literature cited by the submitters: PubMed 16199547; PubMed 12548288; PubMed 15296495; PubMed 21833017; PubMed 26785811.

NM_181507.2(HPS5):c.2562-1G>A

Gene: HPS5 (HPS5 biogenesis of lysosomal organelles complex 2 subunit 2; minus strand). Cytogenetic location: 11p15.1.
Variant type: single nucleotide variant.
Coding change: c.2562-1G>A on transcript NM_181507.2 (MANE Select); the canonical splice acceptor site of the intron before coding-DNA position 2562, G replaced by A.
Molecular consequence: splice acceptor variant. On other transcripts: intron variant (2).
Genome position (GRCh38, 1-based): chr11:18,287,691, C>T on the plus strand (G>A on the coding strand, the complement: HPS5 is on the minus strand). VCF-style: chr11-18287691-C-T. GRCh37 (hg19) VCF-style: chr11-18309238-C-T.
Other names: c.2148-1G>A (NM_001440929.1, NM_001440928.1, NM_001440927.1); c.2220-1G>A (NM_181508.2, NM_001440921.1, NM_001440926.1 and 7 more transcripts); c.2451-1G>A (NM_001440915.1, NM_001440914.1, NM_001440913.1); c.1863-981G>A (NM_001440931.1); c.2561+202G>A (NM_001440917.1); c.2562-1G>A (NM_001440906.1, NM_001440905.1, NM_001440903.1 and 3 more transcripts); c.2487-1G>A (NM_001440907.1, NM_001440909.1, NM_001440908.1); c.2349-1G>A (NM_001440919.1); and 1 more.
Identifiers: ClinVar variation 2808613 (VCV002808613.3), dbSNP rs2494507974, ClinGen allele CA379519777.